The following is an entry in ClinVar:

ClinVar aggregate classification (germline): Conflicting classifications of pathogenicity. Review status: criteria provided, conflicting classifications (1 of 4 stars). 4 submissions from 4 submitters: Uncertain significance (3); Likely benign (1). Last evaluated 2025-10-25.

Conditions:
Cardiovascular phenotype. Identifiers: MedGen CN230736.
Hypertrophic cardiomyopathy. Also called: HYPERTROPHIC MYOCARDIOPATHY. Identifiers: Orphanet 217569, MedGen C0007194, MeSH D002312, MONDO:0005045, HP:0001639.
Long QT syndrome (LQTS). Identifiers: MedGen C0023976, MeSH D008133, MONDO:0002442. Disease mechanism: loss of function. Inheritance: Various modes of inheritance.

Allele frequency attached by ClinVar (database versions not stated): gnomAD 0.00001 and 0.00002; gnomAD exomes 0.00001 and 0.00006; TOPMed 0.00003.
gnomAD v4.1: 25 of 1,614,038 alleles (0.0015%); highest among the groups gnomAD compares: Admixed American, 0.025%; no homozygotes.

Submissions (4):

Labcorp Genetics (formerly Invitae), Labcorp
Classification: Uncertain significance for Long QT syndrome. Last evaluated: 2025-10-25. Review status: criteria provided, single submitter. Criteria: Invitae Variant Classification Sherloc (09022015). Collection method: clinical testing. Allele origin: germline.
Comment: This sequence change replaces glutamine, which is neutral and polar, with arginine, which is basic and polar, at codon 3281 of the ANK2 protein (p.Gln3281Arg). This variant is present in population databases (no rsID available, gnomAD 0.04%), and has an allele count higher than expected for a pathogenic variant. This variant has not been reported in the literature in individuals affected with ANK2-related conditions. ClinVar contains an entry for this variant (Variation ID: 691708). An algorithm developed to predict the effect of missense changes on protein structure and function (PolyPhen-2) suggests that this variant is likely to be tolerated. In summary, the available evidence is currently insufficient to determine the role of this variant in disease. Therefore, it has been classified as a Variant of Uncertain Significance.

Ambry Genetics
Classification: Likely benign for Cardiovascular phenotype. Last evaluated: 2022-08-22. Review status: criteria provided, single submitter. Criteria: Ambry Variant Classification Scheme 2023. Collection method: clinical testing. Allele origin: germline.

GeneDx
Classification: Uncertain significance. Last evaluated: 2021-07-29. Review status: criteria provided, single submitter. Criteria: GeneDx Variant Classification Process June 2021. Collection method: clinical testing. Allele origin: germline. Affected: yes.
Comment: Has not been previously published as pathogenic or benign to our knowledge; Reported in ClinVar as a variant of uncertain significance (ClinVar Variant ID# 691708; Landrum et al., 2016); In silico analysis supports that this missense variant does not alter protein structure/function; Located in exon 38, which is reported as being expressed in a brain-specific transcript (Otto et al, 1991; Cunha et al, 2008; Wu et al, 2015)

Center for Advanced Laboratory Medicine, UC San Diego Health, University of California San Diego
Classification: Uncertain significance for Hypertrophic cardiomyopathy. Last evaluated: 2018-08-22. Review status: criteria provided, single submitter. Criteria: ACMG Guidelines, 2015. Collection method: clinical testing. Allele origin: germline. Affected: yes. Observed: 1 variant allele.

NM_001148.6(ANK2):c.9842A>G (p.Gln3281Arg)

Gene: ANK2 (ankyrin 2; plus strand). Cytogenetic location: 4q26.
Variant type: single nucleotide variant.
Coding change: c.9842A>G on transcript NM_001148.6 (MANE Select); coding-DNA position 9842, A replaced by G.
Protein change: p.Gln3281Arg; replaces glutamine 3281 with arginine.
Molecular consequence: missense variant. On other transcripts: intron variant (68).
Genome position (GRCh38, 1-based): chr4:113,358,460, A>G. VCF-style: chr4-113358460-A-G. GRCh37 (hg19) VCF-style: chr4-114279616-A-G.
Other names: c.9608A>G, p.Gln3203Arg (NM_001386142.1); c.6242A>G, p.Gln2081Arg (NM_001386166.1); c.9983A>G, p.Gln3328Arg (NM_001386174.1); c.9959A>G, p.Gln3320Arg (NM_001386175.1); c.4412-2363A>G (NM_001386186.2, NM_001386148.2); c.4214-2363A>G (NM_001354269.3); c.4292-2363A>G (NM_001386187.2); c.4253-2363A>G (NM_001386147.1); and 35 more; short protein forms Q3281R, Q2081R, Q3203R, Q3320R, Q3328R.
Identifiers: ClinVar variation 691708 (VCV000691708.10), dbSNP rs1306812632, ClinGen allele CA357939122.